The following is an entry in ClinVar:

NM_000157.4(GBA1):c.1052G>C (p.Trp351Ser)

Genes: GBA1 (glucosylceramidase beta 1; minus strand), LOC106627981 (GBA recombination region; plus strand). Cytogenetic location: 1q22.
Variant type: single nucleotide variant.
Coding change: c.1052G>C on transcript NM_000157.4 (MANE Select); coding-DNA position 1052, G replaced by C.
Protein change: p.Trp351Ser; replaces tryptophan 351 with serine.
Molecular consequence: missense variant.
Genome position (GRCh38, 1-based): chr1:155,236,417, C>G on the plus strand (G>C on the coding strand, the complement: GBA1 is on the minus strand). VCF-style: chr1-155236417-C-G. GRCh37 (hg19) VCF-style: chr1-155206208-C-G.
Other names: c.1052G>C, p.Trp351Ser (NM_001005741.3, NM_001005742.3); c.791G>C, p.Trp264Ser (NM_001171811.2); c.905G>C, p.Trp302Ser (NM_001171812.2); c.1052G>C (NM_000157.3); short protein forms W351S, W302S, W264S.
Identifiers: ClinVar variation 496080 (VCV000496080.6), dbSNP rs1553217294, ClinGen allele CA342717600.
Genomic context (GRCh38, chr1:155,236,417, plus strand): 5'-GGGAACAGGCGGTGTGTCTCCCCTAGGGTGGCTTTGGCTGGAGCCAGAAAGTCCAGGTAC[C>G]AATGTACAGCAATGCCATGAACATATTTAGCTGCTTCTGGGTCTGTCAGTACCTGCAAAG-3'
Protein context (NP_000148.2, residues 341-361): AKYVHGIAVH[Trp351Ser]YLDFLAPAKA

ClinVar aggregate classification (germline): Likely pathogenic. Review status: criteria provided, multiple submitters, no conflicts (2 of 4 stars). 5 submissions from 5 submitters: Likely pathogenic (5). Last evaluated 2026-06-01.

Conditions:
Gaucher disease. Also called: Acute cerebral Gaucher disease; Cerebroside lipidosis syndrome; Gaucher splenomegaly; Sphingolipidosis 1; Glucocerebrosidosis; Glucosylceramidase deficiency. Identifiers: Orphanet 355, MedGen C0017205, MONDO:0018150.
GBA1-related disorder. Also called: GBA1-related condition.
Gaucher disease perinatal lethal. Also called: Gaucher disease collodion type; Gaucher Disease, Perinatal-Lethal Form. Identifiers: Orphanet 85212, MedGen C1842704, MONDO:0011945, OMIM 608013.
Parkinson disease, late-onset (PD). Also called: Hereditary late onset Parkinson disease; PARKINSON DISEASE, LATE-ONSET, SUSCEPTIBILITY TO; Susceptibility to Parkinson's Disease. Identifiers: Orphanet 411602, MedGen C3160718, MONDO:0008199, OMIM 168600.
Lewy body dementia (DLB). Also called: Lewy Body Disease. Identifiers: MedGen C0752347, MONDO:0007488, OMIM 127750.
Gaucher disease-ophthalmoplegia-cardiovascular calcification syndrome. Also called: GAUCHER DISEASE, TYPE IIIC. Identifiers: Orphanet 2072, MedGen C1856476, MONDO:0009268, OMIM 231005.
Gaucher disease type I (GD1). Also called: ACID BETA-GLUCOSIDASE DEFICIENCY; GD 1; Gaucher's disease, type 1; Type 1 Gaucher Disease; GAUCHER DISEASE, NONCEREBRAL JUVENILE; GBA DEFICIENCY. Identifiers: Orphanet 355, Orphanet 77259, MedGen C1961835, MONDO:0009265, OMIM 230800.
Gaucher disease type II (GD2). Also called: Acute neuronopathic Gaucher's disease; Type 2 Gaucher disease (Acute; Infantile); GAUCHER DISEASE, ACUTE NEURONOPATHIC TYPE; GD II. Identifiers: Orphanet 77260, MedGen C0268250, MONDO:0009266, OMIM 230900.
Gaucher disease type III. Also called: Subacute neuronopathic Gaucher's disease; Gaucher Disease, Type 3; Type 3 Gaucher disease (Subacute; Juvenile); GAUCHER DISEASE, CHRONIC NEURONOPATHIC TYPE; GAUCHER DISEASE, JUVENILE AND ADULT, CEREBRAL; GAUCHER DISEASE, SUBACUTE NEURONOPATHIC TYPE. Identifiers: Orphanet 355, Orphanet 77261, MedGen C0268251, MONDO:0009267, OMIM 231000.

Allele frequency attached by ClinVar (database versions not stated): gnomAD exomes below 0.00001.
gnomAD v4.1: 1 of 1,614,164 alleles (0.000062%); highest among the groups gnomAD compares: Non-Finnish European, 0.000085%; no homozygotes.

Submissions (5):

Greenwood Genetic Center Diagnostic Laboratories, Greenwood Genetic Center
Classification: Likely pathogenic for GBA1-related disorder. Last evaluated: 2026-06-01. Review status: criteria provided, single submitter. Criteria: ACMG Guidelines, 2015. Collection method: clinical testing. Allele origin: germline. Affected: yes.
Comment: PS3, PM1_Supporting, PM2, PM3_Supporting

Natera, Inc.
Classification: Likely pathogenic for Gaucher disease. Last evaluated: 2025-08-05. Review status: criteria provided, single submitter. Criteria: Natera Variant Classification Schema (03/2026). Collection method: clinical testing. Allele origin: germline.
Comment: The c.1052G>C variant in GBA1 is a missense variant predicted to cause substitution of tryptophan to serine at amino acid 351. This variant is rare in the general population with a frequency below the threshold expected for the associated phenotype(s). This variant has been observed in one or more individuals affected with the associated recessive disease, as either homozygous or compound heterozygous with a second variant (PMID: 24022302). This variant has been identified in one or more affected individuals with a phenotype highly consistent with the associated gene (PMID: 24022302). Functional studies show that this variant may disrupt protein function (PMID: 24022302). Computational prediction algorithms indicate this variant is likely to affect gene or protein function. Given the available evidence, this variant is classified as Likely Pathogenic.

Fulgent Genetics
Classification: Likely pathogenic for Lewy body dementia; Parkinson disease, late-onset; Gaucher disease type I; Gaucher disease type II; Gaucher disease type III; Gaucher disease-ophthalmoplegia-cardiovascular calcification syndrome; Gaucher disease perinatal lethal. Last evaluated: 2021-11-19. Review status: criteria provided, single submitter. Criteria: ACMG Guidelines, 2015. Collection method: clinical testing. Allele origin: unknown.

Broad Center for Mendelian Genomics, Broad Institute of MIT and Harvard
Classification: Likely pathogenic for Gaucher disease. Last evaluated: 2020-01-15. Review status: criteria provided, single submitter. Criteria: ACMG Guidelines, 2015. Collection method: curation. Allele origin: germline. Inheritance: Autosomal recessive inheritance.
Comment: The p.Trp351Ser variant in GBA has been reported in at least 2 individuals with Gaucher disease (PMID: 24022302, 28034821, 25326392) and was absent from large population studies. This variant has also been reported in ClinVar (VariationID: 49608) as likely pathogenic by Integrated Genetics. In vitro functional studies demonstrating that the variant results in null beta-glucosidase activity provide some evidence that the p.Trp351Ser variant may impact protein function (PMID: 24022302). However, these types of assays may not accurately represent biological function. Computational prediction tools and conservation analyses suggest that this variant may impact the protein, though this information is not predictive enough to determine pathogenicity. The presence of this variant in combination with a reported pathogenic variant and in at least one individual with Gaucher disease slightly increases the likelihood that the p.Trp351Ser variant is pathogenic (VariationID: 4288; PMID: 28034821, 24022302). In summary, although additional studies are required to fully establish its clinical significance, this variant is likely pathogenic. ACMG/AMP Criteria applied: PM2, PS3_moderate, PM3_supporting, PP3 (Richards 2015).

Women's Health and Genetics/Laboratory Corporation of America, LabCorp
Classification: Likely pathogenic for Gaucher disease. Last evaluated: 2016-08-29. Review status: criteria provided, single submitter. Criteria: LabCorp Variant Classification Summary - May 2015. Collection method: clinical testing. Allele origin: germline.
Comment: Variant summary: The GBA c.1052G>C (p.Trp351Ser) variant involves the alteration of a conserved nucleotide. 5/5 in silico tools predict a damaging outcome for this variant. This variant is located in the catalytic domain and/or the TIM-barrel domain (InterPro). This variant was absent in 121240 control chromosomes, but has been reported by two studies in the literature (Stirnemann_2012, Malini_2013). In a patient reported by Malini_2013, it was found in compound heterozygous state with another likely pathogenic variant, p.Leu483Pro, in a patient with type 1 Gaucher disease. By an in vitro functional study, this variant was found to abrogate the enzymatic activity (Malini_2013). Additionally, one reputable database (HGMD) has classified it as a disease-causing mutation. Taken together, this variant is classified as Likely Pathogenic.

Literature cited by the submitters: PubMed 24022302 (cited by 3 submitters); PubMed 28034821 (cited by Broad Center for Mendelian Genomics, Broad Institute of MIT and Harvard); PubMed 25326392 (cited by Broad Center for Mendelian Genomics, Broad Institute of MIT and Harvard).